The following is an entry in ClinVar:

ClinVar aggregate classification (germline): Pathogenic (1 of 4 stars; one submission).

Submission:

Labcorp Genetics (formerly Invitae), Labcorp
Classification: Pathogenic. Last evaluated: 2024-04-03. Review status: criteria provided, single submitter. Criteria: Invitae Variant Classification Sherloc (09022015). Collection method: clinical testing. Allele origin: germline.
Comment: This sequence change creates a premature translational stop signal (p.Trp1461Glyfs*65) in the ABCA4 gene. It is expected to result in an absent or disrupted protein product. Loss-of-function variants in ABCA4 are known to be pathogenic (PMID: 10958761, 24938718, 25312043, 26780318). This variant is not present in population databases (gnomAD no frequency). This variant has not been reported in the literature in individuals affected with ABCA4-related conditions. For these reasons, this variant has been classified as Pathogenic.

Literature cited by the submitters: PubMed 10958761; PubMed 24938718; PubMed 25312043; PubMed 26780318.

NM_000350.3(ABCA4):c.4377del (p.Trp1461fs)

Gene: ABCA4 (ATP binding cassette subfamily A member 4; minus strand). Cytogenetic location: 1p22.1.
Variant type: Deletion.
Coding change: c.4377del on transcript NM_000350.3 (MANE Select); coding-DNA position 4377, one base deleted (A; older notation c.4377delA).
Protein change: p.Trp1461fs; shifts the reading frame from tryptophan 1461.
Molecular consequence: frameshift variant.
Genome position (GRCh38, 1-based): chr1:94,029,607, T deleted on the plus strand (A on the coding strand, the reverse complement: ABCA4 is on the minus strand). VCF-style (leftmost placement, unchanged base first): chr1-94029606-GT-G. GRCh37 (hg19) VCF-style: chr1-94495162-GT-G.
Other names: c.4155del, p.Trp1387fs (NM_001425324.1); short protein forms W1387fs, W1461fs.
Identifiers: ClinVar variation 3648216 (VCV003648216.2).